The following is an entry in ClinVar:

ClinVar aggregate classification (germline): Uncertain significance. Review status: criteria provided, multiple submitters, no conflicts (2 of 4 stars). 2 submissions from 2 submitters: Uncertain significance (2). Last evaluated 2025-04-23.

Conditions:
Inborn genetic diseases. Identifiers: MedGen C0950123, MeSH D030342.

gnomAD v4.1: 29 of 1,613,512 alleles (0.0018%); highest among the groups gnomAD compares: East Asian, 0.011%; no homozygotes.

Submissions (2):

Labcorp Genetics (formerly Invitae), Labcorp
Classification: Uncertain significance. Last evaluated: 2025-04-23. Review status: criteria provided, single submitter. Criteria: Invitae Variant Classification Sherloc (09022015). Collection method: clinical testing. Allele origin: germline.
Comment: This sequence change replaces valine, which is neutral and non-polar, with phenylalanine, which is neutral and non-polar, at codon 1008 of the FOCAD protein (p.Val1008Phe). This variant is present in population databases (rs760847162, gnomAD 0.006%). This variant has not been reported in the literature in individuals affected with FOCAD-related conditions. ClinVar contains an entry for this variant (Variation ID: 3516492). Experimental studies and prediction algorithms are not available or were not evaluated, and the functional significance of this variant is currently unknown. In summary, the available evidence is currently insufficient to determine the role of this variant in disease. Therefore, it has been classified as a Variant of Uncertain Significance.

Ambry Genetics
Classification: Uncertain significance for Inborn genetic diseases. Last evaluated: 2024-07-16. Review status: criteria provided, single submitter. Criteria: Ambry Variant Classification Scheme 2023. Collection method: clinical testing. Allele origin: germline.

NM_001375567.1(FOCAD):c.3022G>T (p.Val1008Phe)

Gene: FOCAD (focadhesin; plus strand). Cytogenetic location: 9p21.3.
Variant type: single nucleotide variant.
Coding change: c.3022G>T on transcript NM_001375567.1 (MANE Select); coding-DNA position 3022, G replaced by T.
Protein change: p.Val1008Phe; replaces valine 1008 with phenylalanine.
Molecular consequence: missense variant.
Genome position (GRCh38, 1-based): chr9:20,926,361, G>T. VCF-style: chr9-20926361-G-T. GRCh37 (hg19) VCF-style: chr9-20926360-G-T.
Other names: c.2917G>T, p.Val973Phe (NM_001375568.1, NM_001375570.1); c.3022G>T, p.Val1008Phe (NM_017794.5); short protein forms V973F, V1008F.
Identifiers: ClinVar variation 3516492 (VCV003516492.2).